The following is an entry in ClinVar:

NM_004329.3(BMPR1A):c.303G>C (p.Met101Ile)

Gene: BMPR1A (bone morphogenetic protein receptor type 1A; plus strand). Cytogenetic location: 10q23.2.
Variant type: single nucleotide variant.
Coding change: c.303G>C on transcript NM_004329.3 (MANE Select); coding-DNA position 303, G replaced by C.
Protein change: p.Met101Ile; replaces methionine 101 with isoleucine.
Molecular consequence: missense variant. On other transcripts: non-coding transcript variant (3).
Genome position (GRCh38, 1-based): chr10:86,892,199, G>C. VCF-style: chr10-86892199-G-C. GRCh37 (hg19) VCF-style: chr10-88651956-G-C.
Other names: c.303G>C, p.Met101Ile (NM_001406579.1, NM_001406580.1, NM_001406581.1 and 23 more transcripts); c.219G>C, p.Met73Ile (NM_001406584.1, NM_001406585.1, NM_001406586.1 and 2 more transcripts); short protein forms M101I, M73I.
Identifiers: ClinVar variation 5032968 (VCV005032968.1).

ClinVar aggregate classification (germline): Uncertain significance (1 of 4 stars; one submission).

Conditions:
Hereditary cancer-predisposing syndrome. Also called: Neoplastic Syndromes, Hereditary; Tumor predisposition; Hereditary neoplastic syndrome; Hereditary Cancer Syndrome. Identifiers: Orphanet 140162, MedGen C0027672, MeSH D009386, MONDO:0015356.

Submission:

Ambry Genetics
Classification: Uncertain significance for Hereditary cancer-predisposing syndrome. Last evaluated: 2026-07-06. Review status: criteria provided, single submitter. Criteria: Ambry Variant Classification Scheme 2023. Collection method: clinical testing. Allele origin: germline.
Comment: The p.M101I variant (also known as c.303G>C), located in coding exon 3 of the BMPR1A gene, results from a G to C substitution at nucleotide position 303. The methionine at codon 101 is replaced by isoleucine, an amino acid with highly similar properties. This amino acid position is conserved. In addition, this alteration is predicted to be deleterious by in silico analysis. Based on the available evidence, the clinical significance of this variant remains unclear.